The following is an entry in ClinVar:

ClinVar aggregate classification (germline): Pathogenic (1 of 4 stars; one submission).

Conditions:
Early-infantile DEE. Also called: Early infantile epileptic encephalopathy; Ohtahara syndrome; Early infantile epileptic encephalopathy with suppression bursts. Identifiers: Orphanet 1934, MedGen C0393706, MONDO:0800491.

Submission:

Labcorp Genetics (formerly Invitae), Labcorp
Classification: Pathogenic for Early-infantile DEE. Last evaluated: 2023-10-05. Review status: criteria provided, single submitter. Criteria: Invitae Variant Classification Sherloc (09022015). Collection method: clinical testing. Allele origin: germline.
Comment: This sequence change creates a premature translational stop signal (p.Tyr154Thrfs*17) in the KCNQ2 gene. It is expected to result in an absent or disrupted protein product. Loss-of-function variants in KCNQ2 are known to be pathogenic (PMID: 14534157, 23692823, 27779742). This variant is not present in population databases (gnomAD no frequency). This variant has not been reported in the literature in individuals affected with KCNQ2-related conditions. ClinVar contains an entry for this variant (Variation ID: 1458562). Algorithms developed to predict the effect of sequence changes on RNA splicing suggest that this variant may disrupt the consensus splice site. For these reasons, this variant has been classified as Pathogenic.

Literature cited by the submitters: PubMed 14534157; PubMed 23692823; PubMed 27779742.

NM_172107.4(KCNQ2):c.459del (p.Tyr154fs)

Gene: KCNQ2 (potassium voltage-gated channel subfamily Q member 2; minus strand). Cytogenetic location: 20q13.33.
Variant type: Deletion.
Coding change: c.459del on transcript NM_172107.4 (MANE Select); coding-DNA position 459, one base deleted (G; older notation c.459delG).
Protein change: p.Tyr154fs; shifts the reading frame from tyrosine 154.
Molecular consequence: frameshift variant.
Genome position (GRCh38, 1-based): chr20:63,445,293, C deleted on the plus strand (G on the coding strand, the reverse complement: KCNQ2 is on the minus strand); the first of 2 consecutive C bases (chr20:63,445,293-63,445,294); deleting either gives the same sequence. VCF-style (leftmost placement, unchanged base first): chr20-63445292-AC-A. GRCh37 (hg19) VCF-style: chr20-62076645-AC-A.
Other names: c.459del, p.Tyr154fs (NM_001382235.1, NM_004518.6, NM_172106.3 and 2 more transcripts); short protein forms Y154fs.
Identifiers: ClinVar variation 1458562 (VCV001458562.7), dbSNP rs2145779218, ClinGen allele CA2573157307.